The following is an entry in ClinVar:

NM_001369.3(DNAH5):c.6264C>T (p.Ala2088=)

Gene: DNAH5 (dynein axonemal heavy chain 5; minus strand). Cytogenetic location: 5p15.2.
Variant type: single nucleotide variant.
Coding change: c.6264C>T on transcript NM_001369.3 (MANE Select); coding-DNA position 6264, C replaced by T.
Protein change: p.Ala2088=; no amino-acid change (alanine 2088 retained).
Molecular consequence: synonymous variant.
Genome position (GRCh38, 1-based): chr5:13,829,690, G>A on the plus strand (C>T on the coding strand, the complement: DNAH5 is on the minus strand). VCF-style: chr5-13829690-G-A. GRCh37 (hg19) VCF-style: chr5-13829799-G-A.
Other names: p.Ala2088=.
Identifiers: ClinVar variation 163145 (VCV000163145.33), dbSNP rs1348689, ClinGen allele CA175787.

ClinVar aggregate classification (germline): Benign/Likely benign. Review status: criteria provided, multiple submitters, no conflicts (2 of 4 stars). 13 submissions from 13 submitters: Benign (9); Likely benign (1). 3 of the submissions do not count toward it. Last evaluated 2026-02-04.

Conditions:
Primary ciliary dyskinesia. Also called: Ciliary dyskinesia. Identifiers: Orphanet 244, MedGen C0008780, MONDO:0016575, HP:0012265.
Primary ciliary dyskinesia 3. Identifiers: Orphanet 244, MedGen C1837618, MONDO:0012085, OMIM 608644.

Allele frequency attached by ClinVar (database versions not stated): ESP Exome Variant Server 0.39566; gnomAD 0.40167; TOPMed 0.41125; 1000 Genomes Project 30x 0.44051; 1000 Genomes Project 0.44329.
gnomAD v4.1: 602,288 of 1,612,658 alleles (37%); highest among the groups gnomAD compares: East Asian, 57%; 114,267 homozygotes.

Submissions (13):

Labcorp Genetics (formerly Invitae), Labcorp
Classification: Benign for Primary ciliary dyskinesia. Last evaluated: 2026-02-04. Review status: criteria provided, single submitter. Criteria: Invitae Variant Classification Sherloc (09022015). Collection method: clinical testing. Allele origin: germline.

Blueprint Genetics
Classification: Likely benign. Last evaluated: 2024-11-26. Review status: criteria provided, single submitter. Criteria: ACMG Guidelines, 2015. Collection method: clinical testing. Allele origin: germline.

Mayo Clinic Laboratories, Mayo Clinic
Classification: Benign. Last evaluated: 2022-04-26. Review status: criteria provided, single submitter. Criteria: ACMG Guidelines, 2015. Collection method: clinical testing. Allele origin: germline. Observed: 132 variant alleles.

Pars Genome Lab
Classification: Benign for Primary ciliary dyskinesia 3. Last evaluated: 2021-06-15. Review status: criteria provided, single submitter. Criteria: ACMG Guidelines, 2015. Collection method: clinical testing. Allele origin: germline. Affected: no.

GeneDx
Classification: Benign. Last evaluated: 2018-11-10. Review status: criteria provided, single submitter. Criteria: GeneDx Variant Classification Process June 2021. Collection method: clinical testing. Allele origin: germline. Affected: yes.

Illumina Laboratory Services, Illumina
Classification: Benign for Primary ciliary dyskinesia 3. Last evaluated: 2018-01-13. Review status: criteria provided, single submitter. Criteria: ICSL Variant Classification Criteria 13 December 2019. Collection method: clinical testing. Allele origin: germline.
Comment: This variant was observed in the ICSL laboratory as part of a predisposition screen in an ostensibly healthy population. It had not been previously curated by ICSL or reported in the Human Gene Mutation Database (HGMD: prior to June 1st, 2018), and was therefore a candidate for classification through an automated scoring system. Utilizing variant allele frequency, disease prevalence and penetrance estimates, and inheritance mode, an automated score was calculated to assess if this variant is too frequent to cause the disease. Based on the score and internal cut-off values, a variant classified as benign is not then subjected to further curation. The score for this variant resulted in a classification of benign for this disease.

Ambry Genetics
Classification: Benign for Primary ciliary dyskinesia. Last evaluated: 2014-12-10. Review status: criteria provided, single submitter. Criteria: Ambry Variant Classification Scheme 2023. Collection method: clinical testing. Allele origin: germline.

Laboratory for Molecular Medicine, Mass General Brigham Personalized Medicine
Classification: Benign. Last evaluated: 2013-02-21. Review status: criteria provided, single submitter. Criteria: LMM Criteria. Collection method: clinical testing. Allele origin: germline. Observed: 70 variant alleles.
Comment: Ala2088Ala in exon 38 of DNAH5: This variant is not expected to have clinical si gnificance because it does not alter an amino acid residue and is not located wi thin the splice consensus sequence. It has been identified in 45.6% (2011/4406) of African American chromosomes from a broad population by the NHLBI Exome Seque ncing Project (dbSNP rs1348689).

Breakthrough Genomics
Classification: Benign. Review status: criteria provided, single submitter. Criteria: ACMG Guidelines, 2015. Collection method: not provided. Allele origin: germline. Inheritance: Autosomal recessive inheritance. Affected: yes.

PreventionGenetics, part of Exact Sciences
Classification: Benign. Review status: criteria provided, single submitter. Criteria: ACMG Guidelines, 2015. Collection method: clinical testing. Allele origin: germline.

Natera, Inc.
Classification: Benign for Primary ciliary dyskinesia. Last evaluated: 2020-09-16. Review status: no assertion criteria provided. Collection method: clinical testing. Allele origin: germline. Not counted in ClinVar's aggregate classification.

Clinical Genetics DNA and cytogenetics Diagnostics Lab, Erasmus MC, Erasmus Medical Center
Classification: Benign. Review status: no assertion criteria provided. Collection method: clinical testing. Allele origin: germline. Affected: yes. Study: VKGL Data-share Consensus. Not counted in ClinVar's aggregate classification.

Diagnostic Laboratory, Department of Genetics, University Medical Center Groningen
Classification: Benign. Review status: no assertion criteria provided. Collection method: clinical testing. Allele origin: germline. Affected: yes. Study: VKGL Data-share Consensus. Not counted in ClinVar's aggregate classification.